The following is an entry in ClinVar:

NM_144991.3(TSPEAR):c.1149+3A>C

Gene: TSPEAR (thrombospondin type laminin G domain and EAR repeats; minus strand). Cytogenetic location: 21q22.3.
Variant type: single nucleotide variant.
Coding change: c.1149+3A>C on transcript NM_144991.3 (MANE Select); 3 bases into the intron after coding-DNA position 1149, A replaced by C.
Molecular consequence: intron variant.
Genome position (GRCh38, 1-based): chr21:44,527,289, T>G on the plus strand (A>C on the coding strand, the complement: TSPEAR is on the minus strand). VCF-style: chr21-44527289-T-G. GRCh37 (hg19) VCF-style: chr21-45947172-T-G.
Other names: c.945+3A>C (NM_001272037.2).
Identifiers: ClinVar variation 1723727 (VCV001723727.2), dbSNP rs984128132, ClinGen allele CA321814915.

ClinVar aggregate classification (germline): Uncertain significance (1 of 4 stars; one submission).

Allele frequency attached by ClinVar (database versions not stated): gnomAD exomes below 0.00001; gnomAD 0.00001.
gnomAD v4.1: 8 of 1,614,030 alleles (0.0005%); highest among the groups gnomAD compares: Non-Finnish European, 0.00068%; no homozygotes.

Submission:

GeneDx
Classification: Uncertain significance. Last evaluated: 2022-05-11. Review status: criteria provided, single submitter. Criteria: GeneDx Variant Classification Process June 2021. Collection method: clinical testing. Allele origin: germline. Affected: yes.
Comment: Not observed at significant frequency in large population cohorts (gnomAD); In silico analysis supports a deleterious effect on splicing; Has not been previously published as pathogenic or benign to our knowledge